The following is an entry in ClinVar:

ClinVar aggregate classification (germline): Uncertain significance (1 of 4 stars; one submission).

Submission:

GeneDx
Classification: Uncertain significance. Last evaluated: 2026-04-20. Review status: criteria provided, single submitter. Criteria: GeneDx Variant Classification Process June 2021. Collection method: clinical testing. Allele origin: germline.
Comment: Not observed at significant frequency in large population cohorts (gnomAD); In silico analysis suggests that this missense variant does not alter protein structure/function; Has not been previously published as pathogenic or benign to our knowledge

NM_181507.2(HPS5):c.1787A>C (p.Glu596Ala)

Gene: HPS5 (HPS5 biogenesis of lysosomal organelles complex 2 subunit 2; minus strand). Cytogenetic location: 11p15.1.
Variant type: single nucleotide variant.
Coding change: c.1787A>C on transcript NM_181507.2 (MANE Select); coding-DNA position 1787, A replaced by C.
Protein change: p.Glu596Ala; replaces glutamic acid 596 with alanine.
Molecular consequence: missense variant.
Genome position (GRCh38, 1-based): chr11:18,292,974, T>G on the plus strand (A>C on the coding strand, the complement: HPS5 is on the minus strand). VCF-style: chr11-18292974-T-G. GRCh37 (hg19) VCF-style: chr11-18314521-T-G.
Other names: c.1787A>C, p.Glu596Ala (NM_001440902.1, NM_001440903.1, NM_001440904.1 and 5 more transcripts); c.1712A>C, p.Glu571Ala (NM_001440907.1, NM_001440908.1, NM_001440909.1); c.1676A>C, p.Glu559Ala (NM_001440913.1, NM_001440914.1, NM_001440915.1); c.1601A>C, p.Glu534Ala (NM_001440918.1); c.1574A>C, p.Glu525Ala (NM_001440919.1); c.1445A>C, p.Glu482Ala (NM_001440920.1, NM_007216.4, NM_181508.2 and 7 more transcripts); c.1373A>C, p.Glu458Ala (NM_001440927.1, NM_001440928.1, NM_001440929.1); short protein forms E458A, E482A, E525A, E534A, E559A, E571A, E596A.
Identifiers: ClinVar variation 5037205 (VCV005037205.1).
Genomic context (GRCh38, chr11:18,292,974, plus strand): 5'-GCTACTTTAAGCTCCTGGAACCTGTCTTCTTCTGGAGGTGGACTAGTTACCTCTTTTTCC[T>G]CCCTAAAAAAGTGTGCAAAATAACAATAACATTCACAAGAGTTAGAGGGGATCAGAGCTT-3'
Protein context (NP_852608.1, residues 586-606): DTCPKEEDTE[Glu596Ala]EKEVTSPPPE